The following is an entry in ClinVar:

ClinVar aggregate classification (germline): Uncertain significance. Review status: criteria provided, multiple submitters, no conflicts (2 of 4 stars). 3 submissions from 3 submitters: Uncertain significance (3). Last evaluated 2026-01-10.

Conditions:
Cardiovascular phenotype. Identifiers: MedGen CN230736.

Allele frequency attached by ClinVar (database versions not stated): gnomAD exomes below 0.00001 and 0.00001; ExAC 0.00001; ESP Exome Variant Server 0.00008.
gnomAD v4.1: 5 of 1,611,402 alleles (0.00031%); highest among the groups gnomAD compares: Non-Finnish European, 0.00025%; no homozygotes.

Submissions (3):

Labcorp Genetics (formerly Invitae), Labcorp
Classification: Uncertain significance. Last evaluated: 2026-01-10. Review status: criteria provided, single submitter. Criteria: Invitae Variant Classification Sherloc (09022015). Collection method: clinical testing. Allele origin: germline.
Comment: This sequence change replaces isoleucine, which is neutral and non-polar, with valine, which is neutral and non-polar, at codon 39 of the TBX20 protein (p.Ile39Val). This variant is present in population databases (rs371697707, gnomAD 0.003%). This variant has not been reported in the literature in individuals affected with TBX20-related conditions. ClinVar contains an entry for this variant (Variation ID: 1403205). An algorithm developed to predict the effect of missense changes on protein structure and function (PolyPhen-2) suggests that this variant is likely to be tolerated. In summary, the available evidence is currently insufficient to determine the role of this variant in disease. Therefore, it has been classified as a Variant of Uncertain Significance.

Ambry Genetics
Classification: Uncertain significance for Cardiovascular phenotype. Last evaluated: 2025-12-11. Review status: criteria provided, single submitter. Criteria: Ambry Variant Classification Scheme 2023. Collection method: clinical testing. Allele origin: germline.

Blueprint Genetics
Classification: Uncertain significance. Last evaluated: 2021-10-14. Review status: criteria provided, single submitter. Criteria: ACMG Guidelines, 2015. Collection method: clinical testing. Allele origin: germline.

NM_001077653.2(TBX20):c.115A>G (p.Ile39Val)

Gene: TBX20 (T-box transcription factor 20; minus strand). Cytogenetic location: 7p14.2.
Variant type: single nucleotide variant.
Coding change: c.115A>G on transcript NM_001077653.2 (MANE Select); coding-DNA position 115, A replaced by G.
Protein change: p.Ile39Val; replaces isoleucine 39 with valine.
Molecular consequence: missense variant.
Genome position (GRCh38, 1-based): chr7:35,253,506, T>C on the plus strand (A>G on the coding strand, the complement: TBX20 is on the minus strand). VCF-style: chr7-35253506-T-C. GRCh37 (hg19) VCF-style: chr7-35293117-T-C.
Other names: c.115A>G, p.Ile39Val (NM_001166220.1); short protein forms I39V.
Identifiers: ClinVar variation 1403205 (VCV001403205.10), dbSNP rs371697707, ClinGen allele CA4217597.
Genomic context (GRCh38, chr7:35,253,506, plus strand): 5'-TGCGCAGCATCCCCAGTCCTCGGCGGACAGCCGGGTAGCCCAACTTACCCAGGGGTTTGA[T>C]TGTGTTCTCCGTCGCCTCCTTCTCCTTAGAGCCGCCGCTCGACATGAGCGCGGCAATGGA-3'
Protein context (NP_001071121.1, residues 29-49): SKEKEATENT[Ile39Val]KPLEQFVEKS